The following is an entry in ClinVar:

ClinVar aggregate classification (germline): Uncertain significance (1 of 4 stars; one submission).

Conditions:
Cardiovascular phenotype. Identifiers: MedGen CN230736.

Submission:

Ambry Genetics
Classification: Uncertain significance for Cardiovascular phenotype. Last evaluated: 2024-03-30. Review status: criteria provided, single submitter. Criteria: Ambry Variant Classification Scheme 2023. Collection method: clinical testing. Allele origin: germline.
Comment: The p.C600G variant (also known as c.1798T>G), located in coding exon 13 of the ABCG5 gene, results from a T to G substitution at nucleotide position 1798. The cysteine at codon 600 is replaced by glycine, an amino acid with highly dissimilar properties. This amino acid position is conserved. In addition, the in silico prediction for this alteration is inconclusive. Based on the available evidence, the clinical significance of this alteration remains unclear.

NM_022436.3(ABCG5):c.1798T>G (p.Cys600Gly)

Genes: ABCG5 (ATP binding cassette subfamily G member 5; minus strand), DYNC2LI1 (dynein cytoplasmic 2 light intermediate chain 1; plus strand). Cytogenetic location: 2p21.
Variant type: single nucleotide variant.
Coding change: c.1798T>G on transcript NM_022436.3 (MANE Select); coding-DNA position 1798, T replaced by G.
Protein change: p.Cys600Gly; replaces cysteine 600 with glycine.
Molecular consequence: missense variant. On other transcripts: intron variant (2).
Genome position (GRCh38, 1-based): chr2:43,813,274, A>C on the plus strand (T>G on the coding strand, the complement: ABCG5 is on the minus strand). VCF-style: chr2-43813274-A-C. GRCh37 (hg19) VCF-style: chr2-44040413-A-C.
Other names: c.*15+2750A>C (NM_001348913.2, NM_001348912.2); short protein forms C600G.
Identifiers: ClinVar variation 3309711 (VCV003309711.1).